The following is an entry in ClinVar:

NM_018139.3(DNAAF2):c.1954C>G (p.Pro652Ala)

Gene: DNAAF2 (dynein axonemal assembly factor 2; minus strand). Cytogenetic location: 14q21.3.
Variant type: single nucleotide variant.
Coding change: c.1954C>G on transcript NM_018139.3 (MANE Select); coding-DNA position 1954, C replaced by G.
Protein change: p.Pro652Ala; replaces proline 652 with alanine.
Molecular consequence: missense variant. On other transcripts: intron variant (2).
Genome position (GRCh38, 1-based): chr14:49,628,065, G>C on the plus strand (C>G on the coding strand, the complement: DNAAF2 is on the minus strand). VCF-style: chr14-49628065-G-C. GRCh37 (hg19) VCF-style: chr14-50094783-G-C.
Other names: c.1864-2017C>G (NM_001083908.2); c.-204-2017C>G (NM_001378453.1); short protein forms P652A.
Identifiers: ClinVar variation 1407894 (VCV001407894.8), dbSNP rs1883055893, ClinGen allele CA389624746.

ClinVar aggregate classification (germline): Uncertain significance (1 of 4 stars; one submission).

Conditions:
Primary ciliary dyskinesia. Also called: Ciliary dyskinesia. Identifiers: Orphanet 244, MedGen C0008780, MONDO:0016575, HP:0012265.

Allele frequency attached by ClinVar (database versions not stated): gnomAD exomes below 0.00001.
gnomAD v4.1: 2 of 1,579,092 alleles (0.00013%); highest among the groups gnomAD compares: Non-Finnish European, 0.00017%; no homozygotes.

Submission:

Labcorp Genetics (formerly Invitae), Labcorp
Classification: Uncertain significance for Primary ciliary dyskinesia. Last evaluated: 2021-06-05. Review status: criteria provided, single submitter. Criteria: Invitae Variant Classification Sherloc (09022015). Collection method: clinical testing. Allele origin: germline.
Comment: In summary, the available evidence is currently insufficient to determine the role of this variant in disease. Therefore, it has been classified as a Variant of Uncertain Significance. Algorithms developed to predict the effect of sequence changes on RNA splicing suggest that this variant may create or strengthen a splice site, but this prediction has not been confirmed by published transcriptional studies. This sequence change replaces proline with alanine at codon 652 of the DNAAF2 protein (p.Pro652Ala). The proline residue is moderately conserved and there is a small physicochemical difference between proline and alanine. This variant is not present in population databases (ExAC no frequency). This variant has not been reported in the literature in individuals with DNAAF2-related conditions. Algorithms developed to predict the effect of missense changes on protein structure and function are either unavailable or do not agree on the potential impact of this missense change (SIFT: "Tolerated"; PolyPhen-2: "Probably Damaging"; Align-GVGD: "Class C0").